The following is an entry in ClinVar:

NM_001378454.1(ALMS1):c.9010A>G (p.Lys3004Glu)

Gene: ALMS1 (ALMS1 centrosome and basal body associated protein; plus strand). Cytogenetic location: 2p13.1.
Variant type: single nucleotide variant.
Coding change: c.9010A>G on transcript NM_001378454.1 (MANE Select); coding-DNA position 9010, A replaced by G.
Protein change: p.Lys3004Glu; replaces lysine 3004 with glutamic acid.
Molecular consequence: missense variant.
Genome position (GRCh38, 1-based): chr2:73,490,969, A>G. VCF-style: chr2-73490969-A-G. GRCh37 (hg19) VCF-style: chr2-73718096-A-G.
Other names: c.9013A>G, p.Lys3005Glu (NM_015120.4); short protein forms K3004E, K3005E.
Identifiers: ClinVar variation 2051351 (VCV002051351.4), dbSNP rs1672971536, ClinGen allele CA347272308.
Genomic context (GRCh38, chr2:73,490,969, plus strand): 5'-CATTTTCCCCTTCCTCAAGGTCAGGATTGTGTAGTGGAAAAGAATAATCAACATAAGCCT[A>G]AATCACACATTTCTAATATAAATGTTGAAGCCAAGTTCAATACTGTGGTCTCCCAGTCAG-3'
Protein context (NP_001365383.1, residues 2994-3014): VVEKNNQHKP[Lys3004Glu]SHISNINVEA

ClinVar aggregate classification (germline): Uncertain significance (1 of 4 stars; one submission).

Conditions:
Alstrom syndrome (ALMS). Identifiers: Orphanet 64, MedGen C0268425, MONDO:0008763, OMIM 203800.

Allele frequency attached by ClinVar (database versions not stated): gnomAD exomes below 0.00001.
gnomAD v4.1: 2 of 1,614,230 alleles (0.00012%); highest among the groups gnomAD compares: Non-Finnish European, 0.00017%; no homozygotes.

Submission:

Labcorp Genetics (formerly Invitae), Labcorp
Classification: Uncertain significance for Alstrom syndrome. Last evaluated: 2022-02-22. Review status: criteria provided, single submitter. Criteria: Invitae Variant Classification Sherloc (09022015). Collection method: clinical testing. Allele origin: germline.
Comment: This variant is not present in population databases (gnomAD no frequency). This sequence change replaces lysine, which is basic and polar, with glutamic acid, which is acidic and polar, at codon 3005 of the ALMS1 protein (p.Lys3005Glu). In summary, the available evidence is currently insufficient to determine the role of this variant in disease. Therefore, it has been classified as a Variant of Uncertain Significance. Experimental studies and prediction algorithms are not available or were not evaluated, and the functional significance of this variant is currently unknown. This variant has not been reported in the literature in individuals affected with ALMS1-related conditions.